The following is an entry in ClinVar:

NM_017999.5(RNF31):c.3152C>T (p.Ala1051Val)

Gene: RNF31 (ring finger protein 31; plus strand). Cytogenetic location: 14q12.
Variant type: single nucleotide variant.
Coding change: c.3152C>T on transcript NM_017999.5 (MANE Select); coding-DNA position 3152, C replaced by T.
Protein change: p.Ala1051Val; replaces alanine 1051 with valine.
Molecular consequence: missense variant.
Genome position (GRCh38, 1-based): chr14:24,160,394, C>T. VCF-style: chr14-24160394-C-T. GRCh37 (hg19) VCF-style: chr14-24629603-C-T.
Other names: c.2699C>T, p.Ala900Val (NM_001310332.2); short protein forms A900V, A1051V.
Identifiers: ClinVar variation 1401833 (VCV001401833.6), dbSNP rs765798875, ClinGen allele CA7126278.

ClinVar aggregate classification (germline): Uncertain significance (1 of 4 stars; one submission).

Allele frequency attached by ClinVar (database versions not stated): ExAC 0.00001; gnomAD exomes 0.00001; TOPMed 0.00002.
gnomAD v4.1: 5 of 1,614,110 alleles (0.00031%); highest among the groups gnomAD compares: Admixed American, 0.0083%; no homozygotes.

Submission:

Labcorp Genetics (formerly Invitae), Labcorp
Classification: Uncertain significance. Last evaluated: 2024-11-19. Review status: criteria provided, single submitter. Criteria: Invitae Variant Classification Sherloc (09022015). Collection method: clinical testing. Allele origin: germline.
Comment: This sequence change replaces alanine, which is neutral and non-polar, with valine, which is neutral and non-polar, at codon 1051 of the RNF31 protein (p.Ala1051Val). This variant is present in population databases (rs765798875, gnomAD 0.009%). This variant has not been reported in the literature in individuals affected with RNF31-related conditions. ClinVar contains an entry for this variant (Variation ID: 1401833). An algorithm developed to predict the effect of missense changes on protein structure and function (PolyPhen-2) suggests that this variant is likely to be tolerated. Algorithms developed to predict the effect of sequence changes on RNA splicing suggest that this variant may create or strengthen a splice site. In summary, the available evidence is currently insufficient to determine the role of this variant in disease. Therefore, it has been classified as a Variant of Uncertain Significance.